The following is an entry in ClinVar:

NM_003361.4(UMOD):c.89-666A>C

Gene: UMOD (uromodulin; minus strand). Cytogenetic location: 16p12.3.
Variant type: single nucleotide variant.
Coding change: c.89-666A>C on transcript NM_003361.4 (MANE Select); 666 bases into the intron before coding-DNA position 89, A replaced by C.
Molecular consequence: intron variant.
Genome position (GRCh38, 1-based): chr16:20,349,878, T>G on the plus strand (A>C on the coding strand, the complement: UMOD is on the minus strand). VCF-style: chr16-20349878-T-G. GRCh37 (hg19) VCF-style: chr16-20361200-T-G.
Other names: c.89-666A>C (NM_001008389.3, NM_001378234.1, NM_001378235.1 and 3 more transcripts); c.89-9A>C (NM_001278614.2).
Identifiers: ClinVar variation 4998550 (VCV004998550.1).

ClinVar aggregate classification (germline): Likely benign (1 of 4 stars; one submission).

Conditions:
UMOD-related disorder. Also called: UMOD-related condition.

Submission:

PreventionGenetics, part of Exact Sciences
Classification: Likely benign for UMOD-related condition. Last evaluated: 2024-10-02. Review status: criteria provided, single submitter. Criteria: ACMG Guidelines, 2015. Collection method: clinical testing. Allele origin: germline.
Comment: This variant is classified as likely benign based on ACMG/AMP sequence variant interpretation guidelines (Richards et al. 2015 PMID: 25741868, with internal and published modifications).